The following is an entry in ClinVar:

NM_203446.3(SYNJ1):c.2702A>G (p.Lys901Arg)

Gene: SYNJ1 (synaptojanin 1; minus strand). Cytogenetic location: 21q22.11.
Variant type: single nucleotide variant.
Coding change: c.2702A>G on transcript NM_203446.3 (MANE Select); coding-DNA position 2702, A replaced by G.
Protein change: p.Lys901Arg; replaces lysine 901 with arginine.
Molecular consequence: missense variant.
Genome position (GRCh38, 1-based): chr21:32,656,780, T>C on the plus strand (A>G on the coding strand, the complement: SYNJ1 is on the minus strand). VCF-style: chr21-32656780-T-C. GRCh37 (hg19) VCF-style: chr21-34029090-T-C.
Other names: c.2702A>G, p.Lys901Arg (NM_001160302.2); c.2687A>G, p.Lys896Arg (NM_001160306.2); c.2819A>G, p.Lys940Arg (NM_003895.4); short protein forms K901R, K896R, K940R.
Identifiers: ClinVar variation 1954594 (VCV001954594.2), dbSNP rs2517529468, ClinGen allele CA410073615.

ClinVar aggregate classification (germline): Uncertain significance (1 of 4 stars; one submission).

Conditions:
Developmental and epileptic encephalopathy, 53. Also called: Epileptic encephalopathy, early infantile, 53. Identifiers: MedGen C4479313, MONDO:0033362, OMIM 617389.
Early-onset Parkinson disease 20. Also called: PARKINSON DISEASE 20, AUTOSOMAL RECESSIVE EARLY-ONSET. Identifiers: Orphanet 391411, MedGen C3809824, MONDO:0014233, OMIM 615530.

Allele frequency attached by ClinVar (database versions not stated): gnomAD exomes below 0.00001.
gnomAD v4.1: 2 of 1,614,178 alleles (0.00012%); highest among the groups gnomAD compares: Non-Finnish European, 0.00017%; no homozygotes.

Submission:

Labcorp Genetics (formerly Invitae), Labcorp
Classification: Uncertain significance for Developmental and epileptic encephalopathy, 53; Early-onset Parkinson disease 20. Last evaluated: 2022-09-10. Review status: criteria provided, single submitter. Criteria: Invitae Variant Classification Sherloc (09022015). Collection method: clinical testing. Allele origin: germline.
Comment: This sequence change replaces lysine, which is basic and polar, with arginine, which is basic and polar, at codon 940 of the SYNJ1 protein (p.Lys940Arg). This variant is not present in population databases (gnomAD no frequency). This variant has not been reported in the literature in individuals affected with SYNJ1-related conditions. Advanced modeling of protein sequence and biophysical properties (such as structural, functional, and spatial information, amino acid conservation, physicochemical variation, residue mobility, and thermodynamic stability) performed at Invitae indicates that this missense variant is not expected to disrupt SYNJ1 protein function. In summary, the available evidence is currently insufficient to determine the role of this variant in disease. Therefore, it has been classified as a Variant of Uncertain Significance.